The following is an entry in ClinVar:

NM_000321.3(RB1):c.2239GAG[1] (p.Glu748del)

Gene: RB1 (RB transcriptional corepressor 1; plus strand). Cytogenetic location: 13q14.2.
Variant type: Microsatellite.
Coding change: c.2239GAG[1] on transcript NM_000321.3 (MANE Select); one copy of the 3-base unit GAG starting at c.2239; the reference has two copies in a row; one copy, 3 bases deleted; also written c.2242_2244del.
Protein change: p.Glu748del; deletes glutamic acid 748.
Molecular consequence: inframe deletion.
Genome position (GRCh38, 1-based): chr13:48,465,028-48,465,030, GAG deleted; deleting any 3 consecutive bases within chr13:48,465,025-48,465,030 gives the same sequence; the position shown is the placement nearest the transcript's 3' end. VCF-style (leftmost placement, unchanged base first): chr13-48465024-AGAG-A. GRCh37 (hg19) VCF-style: chr13-49039160-AGAG-A.
Other names: c.2242_2244del (NM_000321.3); short protein forms E748del.
Identifiers: ClinVar variation 1050761 (VCV001050761.9), dbSNP rs2138344648, ClinGen allele CA2575413789.

ClinVar aggregate classification (germline): Uncertain significance. Review status: criteria provided, multiple submitters, no conflicts (2 of 4 stars). 4 submissions from 4 submitters: Uncertain significance (3). 1 of the submissions does not count toward it. Last evaluated 2025-07-02.

Conditions:
Hereditary cancer-predisposing syndrome. Also called: Tumor predisposition; Hereditary neoplastic syndrome; Hereditary Cancer Syndrome; Neoplastic Syndromes, Hereditary. Identifiers: Orphanet 140162, MedGen C0027672, MeSH D009386, MONDO:0015356.
Retinoblastoma (RB1). Also called: RETINOBLASTOMA, SOMATIC. Identifiers: Orphanet 790, MedGen C0035335, MeSH D012175, MONDO:0008380, OMIM 180200, HP:0009919. Disease mechanism: loss of function. Inheritance: Both sporadic and heritable forms are tested..

Submissions (4):

Color Diagnostics, LLC DBA Color Health
Classification: Uncertain significance for Retinoblastoma. Last evaluated: 2025-07-02. Review status: criteria provided, single submitter. Criteria: ACMG Guidelines, 2015. Collection method: clinical testing. Allele origin: germline.
Comment: This variant is a single amino acid deletion of codon 748 in exon 22 of the RB1 protein. To our knowledge, functional studies have not been reported for this variant. This variant has not been reported in individuals affected with RB1-related disorders in the literature. This variant has not been identified in the general population by the Genome Aggregation Database (gnomAD). The available evidence is insufficient to determine the role of this variant in disease conclusively. Therefore, this variant is classified as a Variant of Uncertain Significance.

Labcorp Genetics (formerly Invitae), Labcorp
Classification: Uncertain significance for Retinoblastoma. Last evaluated: 2023-10-08. Review status: criteria provided, single submitter. Criteria: Invitae Variant Classification Sherloc (09022015). Collection method: clinical testing. Allele origin: germline.
Comment: This variant, c.2242_2244del, results in the deletion of 1 amino acid(s) of the RB1 protein (p.Glu748del), but otherwise preserves the integrity of the reading frame. This variant is not present in population databases (gnomAD no frequency). This variant has not been reported in the literature in individuals affected with RB1-related conditions. ClinVar contains an entry for this variant (Variation ID: 1050761). Experimental studies and prediction algorithms are not available or were not evaluated, and the functional significance of this variant is currently unknown. In summary, the available evidence is currently insufficient to determine the role of this variant in disease. Therefore, it has been classified as a Variant of Uncertain Significance.

Ambry Genetics
Classification: Uncertain significance for Hereditary cancer-predisposing syndrome. Last evaluated: 2022-03-11. Review status: criteria provided, single submitter. Criteria: Ambry Variant Classification Scheme 2023. Collection method: clinical testing. Allele origin: germline.
Comment: The c.2242_2244delGAG variant (also known as p.E748del) is located in coding exon 22 of the RB1 gene. This variant results from an in-frame GAG deletion at nucleotide positions 2242 to 2244. This results in the in-frame deletion of a glutamic acid at codon 748. This amino acid position is poorly conserved in available vertebrate species. In addition, the in silico prediction for this alteration is inconclusive (Choi Y et al. PLoS ONE. 2012; 7(10):e46688). Since supporting evidence is limited at this time, the clinical significance of this alteration remains unclear.

Department of Pathology and Laboratory Medicine, Sinai Health System
Classification: Uncertain significance. Review status: no assertion criteria provided. Collection method: clinical testing. Allele origin: unknown. Affected: yes. Study: The Canadian Open Genetics Repository (COGR). Not counted in ClinVar's aggregate classification.